The following is an entry in ClinVar:

NM_001621.5(AHR):c.2498C>T (p.Pro833Leu)

Gene: AHR (aryl hydrocarbon receptor; plus strand). Cytogenetic location: 7p21.1.
Variant type: single nucleotide variant.
Coding change: c.2498C>T on transcript NM_001621.5 (MANE Select); coding-DNA position 2498, C replaced by T.
Protein change: p.Pro833Leu; replaces proline 833 with leucine.
Molecular consequence: missense variant.
Genome position (GRCh38, 1-based): chr7:17,343,015, C>T. VCF-style: chr7-17343015-C-T. GRCh37 (hg19) VCF-style: chr7-17382639-C-T.
Other names: short protein forms P833L.
Identifiers: ClinVar variation 1924337 (VCV001924337.3), dbSNP rs770650129, ClinGen allele CA4172320.

ClinVar aggregate classification (germline): Uncertain significance (1 of 4 stars; one submission).

Allele frequency attached by ClinVar (database versions not stated): gnomAD 0.00001.

Submission:

Labcorp Genetics (formerly Invitae), Labcorp
Classification: Uncertain significance. Last evaluated: 2023-12-21. Review status: criteria provided, single submitter. Criteria: Invitae Variant Classification Sherloc (09022015). Collection method: clinical testing. Allele origin: germline.
Comment: This sequence change replaces proline, which is neutral and non-polar, with leucine, which is neutral and non-polar, at codon 833 of the AHR protein (p.Pro833Leu). This variant is present in population databases (rs770650129, gnomAD 0.007%). This variant has not been reported in the literature in individuals affected with AHR-related conditions. ClinVar contains an entry for this variant (Variation ID: 1924337). Algorithms developed to predict the effect of missense changes on protein structure and function output the following: SIFT: "Not Available"; PolyPhen-2: "Benign"; Align-GVGD: "Not Available". The leucine amino acid residue is found in multiple mammalian species, which suggests that this missense change does not adversely affect protein function. In summary, the available evidence is currently insufficient to determine the role of this variant in disease. Therefore, it has been classified as a Variant of Uncertain Significance.